The following is an entry in ClinVar:

ClinVar aggregate classification (germline): Likely benign (1 of 4 stars; one submission).

gnomAD v4.1: 100 of 1,492,242 alleles (0.0067%); highest among the groups gnomAD compares: Non-Finnish European, 0.0083%; no homozygotes.

Submission:

CeGaT Center for Human Genetics Tuebingen
Classification: Likely benign. Last evaluated: 2022-10-01. Review status: criteria provided, single submitter. Criteria: CeGaT Center For Human Genetics Tuebingen Variant Classification Criteria Version 2. Collection method: clinical testing. Allele origin: germline. Affected: yes. Observed: 1 variant allele.
Comment: TET3: BP4, BP7

NM_001287491.2(TET3):c.5325G>A (p.Ser1775=)

Gene: TET3 (tet methylcytosine dioxygenase 3; plus strand). Cytogenetic location: 2p13.1.
Variant type: single nucleotide variant.
Coding change: c.5325G>A on transcript NM_001287491.2 (MANE Select); coding-DNA position 5325, G replaced by A.
Protein change: p.Ser1775=; no amino-acid change (serine 1775 retained).
Molecular consequence: synonymous variant.
Genome position (GRCh38, 1-based): chr2:74,102,113, G>A. VCF-style: chr2-74102113-G-A. GRCh37 (hg19) VCF-style: chr2-74329240-G-A.
Other names: c.5046G>A, p.Ser1682= (NM_001366022.1); c.4920G>A, p.Ser1640= (NM_144993.1).
Identifiers: ClinVar variation 2651061 (VCV002651061.24), dbSNP rs371197422, ClinGen allele CA1719396.